The following is an entry in ClinVar:

ClinVar aggregate classification (germline): Conflicting classifications of pathogenicity. Review status: criteria provided, conflicting classifications (1 of 4 stars). 2 submissions from 2 submitters: Uncertain significance (1); Benign (1). Last evaluated 2026-01-09.

Conditions:
Neurodevelopmental disorder with hypotonia, stereotypic hand movements, and impaired language. Also called: Intellectual disability, autosomal dominant 20. Identifiers: Orphanet 228384, Orphanet 664410, MedGen C3150700, MONDO:0013266, OMIM 613443.

Allele frequency attached by ClinVar (database versions not stated): gnomAD 0.00001; TOPMed 0.00001; ExAC 0.00003; gnomAD exomes 0.00004.
gnomAD v4.1: 56 of 1,613,222 alleles (0.0035%); highest among the groups gnomAD compares: Admixed American, 0.01%; no homozygotes.

Submissions (2):

Labcorp Genetics (formerly Invitae), Labcorp
Classification: Benign for Neurodevelopmental disorder with hypotonia, stereotypic hand movements, and impaired language. Last evaluated: 2026-01-09. Review status: criteria provided, single submitter. Criteria: Invitae Variant Classification Sherloc (09022015). Collection method: clinical testing. Allele origin: germline.

GeneDx
Classification: Uncertain significance. Last evaluated: 2014-12-03. Review status: criteria provided, single submitter. Criteria: GeneDx Variant Classification (06012015). Collection method: clinical testing. Allele origin: germline. Affected: yes.
Comment: p.Met244Val (ATG>GTG): c.730 A>G in exon 7 of the MEF2C gene (NM_002397.3) A variant of unknown significance has been identified in the MEF2C gene. The M244V variant has not been published as a mutation, nor has it been reported as a benign polymorphism to our knowledge. It was not observed in approximately 5,900 individuals of European and African American ancestry in the NHLBI Exome Sequencing Project, indicating it is not a common benign variant in these populations. The M244V variant is a conservative amino acid substitution, which is not likely to impact secondary protein structure as these residues share similar properties. This substitution occurs at a position that is generally well-conserved across species; however, the same amino acid change (M>V) is seen in a vertebrate. In silico analysis is inconsistent in its predictions as to whether or not the M244V variant is damaging to the protein structure/function. Therefore, based on the currently available information, it is unclear whether this variant is a pathogenic mutation or a rare benign variant. The variant is found in CHILD-EPI panel(s).

NM_002397.5(MEF2C):c.730A>G (p.Met244Val)

Gene: MEF2C (myocyte enhancer factor 2C; minus strand). Cytogenetic location: 5q14.3.
Variant type: single nucleotide variant.
Coding change: c.730A>G on transcript NM_002397.5 (MANE Select); coding-DNA position 730, A replaced by G.
Protein change: p.Met244Val; replaces methionine 244 with valine.
Molecular consequence: missense variant.
Genome position (GRCh38, 1-based): chr5:88,731,809, T>C on the plus strand (A>G on the coding strand, the complement: MEF2C is on the minus strand). VCF-style: chr5-88731809-T-C. GRCh37 (hg19) VCF-style: chr5-88027626-T-C.
Other names: p.M244V:ATG>GTG; c.724A>G, p.Met242Val (NM_001131005.2, NM_001364343.2, NM_001364352.2); c.784A>G, p.Met262Val (NM_001193347.1, NM_001364338.2); c.586A>G, p.Met196Val (NM_001193348.1, NM_001193349.3, NM_001364332.2 and 3 more transcripts); c.730A>G, p.Met244Val (NM_001193350.2, NM_001308002.3, NM_001363581.2 and 18 more transcripts); c.352A>G, p.Met118Val (NM_001364353.2, NM_001364356.2); c.304A>G, p.Met102Val (NM_001364357.2); short protein forms M242V, M244V, M118V, M102V, M196V, M262V.
Identifiers: ClinVar variation 206126 (VCV000206126.13), dbSNP rs752349182, ClinGen allele CA315907.